The following is an entry in ClinVar:

ClinVar aggregate classification (germline): Pathogenic/Likely pathogenic. Review status: criteria provided, multiple submitters, no conflicts (2 of 4 stars). 8 submissions from 7 submitters: Pathogenic (3); Likely pathogenic (4). 1 of the submissions does not count toward it. Last evaluated 2025-11-18.

Conditions:
Hereditary cancer-predisposing syndrome. Also called: Tumor predisposition; Hereditary neoplastic syndrome; Neoplastic Syndromes, Hereditary; Hereditary Cancer Syndrome. Identifiers: Orphanet 140162, MedGen C0027672, MeSH D009386, MONDO:0015356.
Carcinoma of colon (CRC). Also called: Colon carcinoma; Colonic carcinoma. Identifiers: MedGen C0699790, MONDO:0002032.
Familial adenomatous polyposis 2. Also called: COLORECTAL ADENOMATOUS POLYPOSIS, AUTOSOMAL RECESSIVE; ADENOMAS, MULTIPLE COLORECTAL, AUTOSOMAL RECESSIVE; MUTYH-related attenuated familial adenomatous polyposis; MUTYH-associated polyposis; Adenomas, multiple colorectal; MYH-associated polyposis. Identifiers: Orphanet 220460, Orphanet 247798, MedGen C3272841, MONDO:0012041, OMIM 608456.

Allele frequency attached by ClinVar (database versions not stated): TOPMed 0.00001; gnomAD exomes below 0.00001.
gnomAD v4.1: 5 of 1,613,902 alleles (0.00031%); highest among the groups gnomAD compares: African/African-American, 0.0027%; no homozygotes.

Submissions (8):

Genetic Services Laboratory, University of Chicago
Classification: Likely pathogenic. Last evaluated: 2025-11-18. Review status: criteria provided, single submitter. Criteria: ACMG Guidelines, 2015. Collection method: clinical testing. Allele origin: germline.
Comment: The c.847A>G variant: Results in an amino acid change, p.Met283Val. Affects a highly conserved amino acid residue located in a domain of the MUTYH protein that is not known to be functional. Appears to be deleterious using several in-silico pathogenicity prediction tools. Has been reported with a pathogenic MUTYH variant in two unrelated families with multiple adenomas and/or colorectal cancer (PMID: 16941501, 18172263). Has shown to be protein deficient in oxidative mutagenesis (PMID: 23322991) and adenine glycosylation (PMID: 20848659) in cellular assays. Is reported in the gnomAD v4 database with a frequency of 0.0003% (dbSNP rs876659676). Has also been referred as p.Met255Val and p.Met269Val in published literature. ClinVar contains an entry for this variant (Variation ID:232291). Collectively, this evidence indicates that this variant is likely pathogenic.

Color Diagnostics, LLC DBA Color Health
Classification: Likely pathogenic for Hereditary cancer-predisposing syndrome. Last evaluated: 2025-06-23. Review status: criteria provided, single submitter. Criteria: ACMG Guidelines, 2015. Collection method: clinical testing. Allele origin: germline.
Comment: This missense variant replaces methionine with valine at codon 283 of the MUTYH protein. Computational prediction suggests that this variant may have deleterious impact on protein structure and function. Functional studies have reported the variant protein to be defective in the suppression of oxidative mutagenesis when expressed in human cell lines (PMID: 23322991) and in adenine DNA glycosylase assay in vitro (PMID: 20848659). This variant has been reported with a pathogenic MUTYH co-variant in two families affected with cancer of the cecum and colorectal polyposis (PMID: 18172263, 16941501). This variant has been identified in 1/250754 chromosomes in the general population by the Genome Aggregation Database (gnomAD). Based on the available evidence, this variant is classified as Likely Pathogenic.

Ambry Genetics
Classification: Likely pathogenic for Hereditary cancer-predisposing syndrome. Last evaluated: 2025-01-15. Review status: criteria provided, single submitter. Criteria: Ambry Variant Classification Scheme 2023. Collection method: clinical testing. Allele origin: germline.
Comment: The p.M283V variant (also known as c.847A>G), located in coding exon 10 of the MUTYH gene, results from an A to G substitution at nucleotide position 847. The methionine at codon 283 is replaced by valine, an amino acid with highly similar properties. This variant has been reported in conjunction with a MUTYH pathogenic mutation in patients with multiple adenomas and/or colorectal cancer (Lejeune S et al, Hum. Mutat. 2006 Oct; 27(10):1064; van Puijenbroek M et al. Clin Cancer Res. 2008 Jan 1;14(1):139-42). In addition, functional studies have shown this alteration causes severe impairment in DNA glycosylase activity compared to the wild-type protein (Goto M et al. Hum. Mutat. 2010 Nov; 31(11):E1861-74); as well as suppression of oxidative mutagenesis, thought to severely impair function in human cells (Shinmura K et al. World J. Gastroenterol. 2012 Dec; 18(47):6935-42). Of note, this alteration is also designated as p.M269V (c.805A>G) in published literature. This amino acid position is highly conserved in available vertebrate species. In addition, this alteration is predicted to be deleterious by in silico analysis. Based on the majority of available evidence to date, this variant is likely to be pathogenic.

Baylor Genetics
Classification: Pathogenic for Familial adenomatous polyposis 2. Last evaluated: 2024-02-16. Review status: criteria provided, single submitter. Criteria: ACMG Guidelines, 2015. Collection method: clinical testing. Allele origin: unknown.

Labcorp Genetics (formerly Invitae), Labcorp
Classification: Likely pathogenic for Familial adenomatous polyposis 2. Last evaluated: 2023-11-11. Review status: criteria provided, single submitter. Criteria: Invitae Variant Classification Sherloc (09022015). Collection method: clinical testing. Allele origin: germline.
Comment: This sequence change replaces methionine, which is neutral and non-polar, with valine, which is neutral and non-polar, at codon 283 of the MUTYH protein (p.Met283Val). This variant is present in population databases (no rsID available, gnomAD 0.0009%). This missense change has been observed in individual(s) with clinical features of MUTYH-related conditions (PMID: 16941501, 18172263). It has also been observed to segregate with disease in related individuals. ClinVar contains an entry for this variant (Variation ID: 232291). An algorithm developed to predict the effect of missense changes on protein structure and function (PolyPhen-2) suggests that this variant is likely to be disruptive. Experimental studies have shown that this missense change affects MUTYH function (PMID: 20848659, 23322991). In summary, the currently available evidence indicates that the variant is pathogenic, but additional data are needed to prove that conclusively. Therefore, this variant has been classified as Likely Pathogenic.

GeneDx
Classification: Pathogenic. Last evaluated: 2023-02-13. Review status: criteria provided, single submitter. Criteria: GeneDx Variant Classification Process June 2021. Collection method: clinical testing. Allele origin: germline. Affected: yes.
Comment: Published functional studies demonstrate a damaging effect: reduced glycosylase activity and ability to suppress 8OHG-induced damage (Goto et al., 2010; Shinmura et al., 2012); In silico analysis supports that this missense variant has a deleterious effect on protein structure/function; Not observed at significant frequency in large population cohorts (gnomAD); Also known as c.763A>G (p.M255V); c.805A>G p.(M269V); This variant is associated with the following publications: (PMID: 20848659, 23605219, 30787465, 18172263, 16941501, 23322991, 25820570, 11092888, 11160897)

Department of Pathology and Laboratory Medicine, Sinai Health System
Classification: Pathogenic for Familial adenomatous polyposis 2. Last evaluated: 2019-04-01. Review status: criteria provided, single submitter. Criteria: ACMG Guidelines, 2015. Collection method: research. Allele origin: germline.

Department of Pathology and Laboratory Medicine, Sinai Health System
Classification: Pathogenic for Carcinoma of colon. Review status: no assertion criteria provided. Collection method: clinical testing. Allele origin: unknown. Affected: yes. Observed: 1 variant allele. Study: The Canadian Open Genetics Repository (COGR). Not counted in ClinVar's aggregate classification.
Comment: The MUTYH p.Met283Val variant was identified in 2 of 460 proband chromosomes (frequency: 0.004) from individuals or families with colorectal cancer or cecum carcinoma (Lejeune 2006, Puijenbroek 2008). The variant was also identified in dbSNP (ID: rs876659676) as "With Pathogenic allele", ClinVar (classified as likely pathogenic by Ambry Genetics and Invitae; as pathogenic by GeneDx), Clinvitae, and in UMD-LSDB (10x as unclassified variant). In UMD the variant was identified with co-occurring pathogenic MUTYH variants (c.1059dup (p.Arg354GlnfsX164) and c.1105delC (p.Ala371ProfsX23)). The variant was not identified in the COGR, Cosmic, or MutDB databases. The variant was identified in control databases in 1 of 245722 chromosomes at a frequency of 0.000004 (Genome Aggregation Database Feb 27, 2017). The variant was observed in the European (Non-Finnish) in 1 of 111308 chromosomes (freq: 0.00001); it was not observed in the African, Ashkenazi Jewish, East Asian, Finnish, Latino, Other, and South Asian populations. Several In vitro studies show that this variant severely reduces gycosylase activity. The variant protein exhibited only 4.5% of the glycosylase activity of the wild-type protein, which is more than 20-fold lower than that of the wildtype protein (Goto 2010, Shinmura 2012). The p.Met283 residue is conserved across mammals and other organisms, and four out of five computational analyses (PolyPhen-2, SIFT, AlignGVGD, BLOSUM, MutationTaster) suggest that the variant may impact the protein; however, this information is not predictive enough to assume pathogenicity. The variant occurs outside of the splicing consensus sequence and in silico or computational prediction software programs (SpliceSiteFinder, MaxEntScan, NNSPLICE, GeneSplicer, HumanSpliceFinder) do not predict a difference in splicing. In summary, based on the above information this variant meets our laboratoryâ€šÃ„Ã´s criteria to be classified as pathogenic.

Literature cited by the submitters: PubMed 16941501 (cited by 3 submitters); PubMed 18172263 (cited by Color Diagnostics, LLC DBA Color Health and Labcorp Genetics (formerly Invitae), Labcorp); PubMed 20848659 (cited by 3 submitters); PubMed 23322991 (cited by 3 submitters); PubMed 25820570 (cited by Ambry Genetics).

NM_001048174.2(MUTYH):c.763A>G (p.Met255Val)

Gene: MUTYH (mutY DNA glycosylase; minus strand). Cytogenetic location: 1p34.1.
Variant type: single nucleotide variant.
Coding change: c.763A>G on transcript NM_001048174.2 (MANE Select); coding-DNA position 763, A replaced by G.
Protein change: p.Met255Val; replaces methionine 255 with valine.
Molecular consequence: missense variant. On other transcripts: non-coding transcript variant (2).
Genome position (GRCh38, 1-based): chr1:45,332,252, T>C on the plus strand (A>G on the coding strand, the complement: MUTYH is on the minus strand). VCF-style: chr1-45332252-T-C. GRCh37 (hg19) VCF-style: chr1-45797924-T-C.
Other names: c.763A>G, p.Met255Val (NM_001048171.2, NM_001048173.2, NM_001293195.2); c.766A>G, p.Met256Val (NM_001048172.2); c.847A>G, p.Met283Val (NM_001128425.2); c.808A>G, p.Met270Val (NM_001293190.2); c.796A>G, p.Met266Val (NM_001293191.2); c.487A>G, p.Met163Val (NM_001293192.2, NM_001293196.2); c.418A>G, p.Met140Val (NM_001350650.2, NM_001350651.2); c.838A>G, p.Met280Val (NM_012222.3); short protein forms M283V, M140V, M163V, M256V, M255V, M266V, M270V, M280V.
Identifiers: ClinVar variation 232291 (VCV000232291.24), dbSNP rs876659676, ClinGen allele CA10577722.
Genomic context (GRCh38, chr1:45,332,252, plus strand): 5'-CCACAGGGCACTGGCTGCACAGTGGGCGCTGTGGGGTACACACTGTGGCCCCTAGCTCCA[T>C]GGCTGCTTGGTTGAAATCTCCTGGCCGGGCTGGGTCCACCAGCTGCTGGGCTAGACCCCT-3'
Protein context (NP_001041639.1, residues 245-265): ARPGDFNQAA[Met255Val]ELGATVCTPQ